The following is an entry in ClinVar:

ClinVar aggregate classification (germline): Uncertain significance (1 of 4 stars; one submission).

Conditions:
Holoprosencephaly 5 (HPE5). Identifiers: Orphanet 2162, MedGen C1864827, MONDO:0012322, OMIM 609637.

Submission:

Labcorp Genetics (formerly Invitae), Labcorp
Classification: Uncertain significance for Holoprosencephaly 5. Last evaluated: 2024-09-05. Review status: criteria provided, single submitter. Criteria: Invitae Variant Classification Sherloc (09022015). Collection method: clinical testing. Allele origin: germline.
Comment: This variant, c.1392_1403del, results in the deletion of 4 amino acid(s) of the ZIC2 protein (p.Ala467_Ala470del), but otherwise preserves the integrity of the reading frame. The frequency data for this variant in the population databases is considered unreliable, as metrics indicate poor data quality at this position in the gnomAD database. This variant has been observed in individual(s) with holoprosencephaly (PMID: 21940735). Experimental studies and prediction algorithms are not available or were not evaluated, and the functional significance of this variant is currently unknown. In summary, the available evidence is currently insufficient to determine the role of this variant in disease. Therefore, it has been classified as a Variant of Uncertain Significance.

Literature cited by the submitters: PubMed 21940735.

NM_007129.5(ZIC2):c.1392_1403del (p.Ala467_Ala470del)

Genes: ZIC2 (Zic family zinc finger 2; plus strand), LOC110008580 (Zic family member 2 polyalanine repeat instability region; plus strand). Cytogenetic location: 13q32.3.
Variant type: Deletion.
Coding change: c.1392_1403del on transcript NM_007129.5 (MANE Select); coding-DNA positions 1392 to 1403, 12 bases deleted (TGCGGCGGCGGC).
Protein change: p.Ala467_Ala470del.
Genome position (GRCh38, 1-based): chr13:99,985,475-99,985,486, TGCGGCGGCGGC deleted; deleting any 12 consecutive bases within chr13:99,985,464-99,985,486 gives the same sequence; the c. name uses the placement nearest the transcript's 3' end. VCF-style (leftmost placement, unchanged base first): chr13-99985463-GGCGGCGGCGGCT-G. GRCh37 (hg19) VCF-style: chr13-100637717-GGCGGCGGCGGCT-G.
Identifiers: ClinVar variation 3669344 (VCV003669344.2).